The following is an entry in ClinVar:

NM_001399.5(EDA):c.272dup (p.Ser91fs)

Gene: EDA (ectodysplasin A; plus strand). Cytogenetic location: Xq13.1.
Variant type: Duplication.
Coding change: c.272dup on transcript NM_001399.5 (MANE Select); coding-DNA position 272, one base duplicated (G; older notation c.272dupG).
Protein change: p.Ser91fs; shifts the reading frame from serine 91.
Genome position (GRCh38, 1-based): chrX:69,616,580, G duplicated. VCF-style (leftmost placement, unchanged base first): chrX-69616579-A-AG. GRCh37 (hg19) VCF-style: chrX-68836423-A-AG.
Other names: NM_001399.4:c.272dupG; p.Ser91ArgfsX9; c.272dup, p.Ser91fs (NM_001005609.2, NM_001005610.4, NM_001005612.3 and 1 more transcripts); short protein forms S91fs.
Identifiers: ClinVar variation 44187 (VCV000044187.7), dbSNP rs397516656, ClinGen allele CA261481.

ClinVar aggregate classification (germline): Pathogenic. Review status: criteria provided, multiple submitters, no conflicts (2 of 4 stars). 2 submissions from 2 submitters: Pathogenic (2). Last evaluated 2023-11-07.

Conditions:
Hypohidrotic X-linked ectodermal dysplasia (XHED). Also called: Anhidrotic ectodermal dysplasia X-linked; Christ Siemens Touraine syndrome; ECTODERMAL DYSPLASIA 1, HYPOHIDROTIC, X-LINKED; ECTODERMAL DYSPLASIA 1, HYPOHIDROTIC/HAIR/TOOTH TYPE, X-LINKED; ECTODERMAL DYSPLASIA, HYPOHIDROTIC, 1; CST SYNDROME. Identifiers: Orphanet 181, Orphanet 238468, MedGen C0162359, MONDO:0010585, OMIM 305100.

Submissions (2):

Labcorp Genetics (formerly Invitae), Labcorp
Classification: Pathogenic for Hypohidrotic X-linked ectodermal dysplasia. Last evaluated: 2023-11-07. Review status: criteria provided, single submitter. Criteria: Invitae Variant Classification Sherloc (09022015). Collection method: clinical testing. Allele origin: germline.
Comment: This sequence change creates a premature translational stop signal (p.Ser91Argfs*9) in the EDA gene. It is expected to result in an absent or disrupted protein product. Loss-of-function variants in EDA are known to be pathogenic (PMID: 9683615). This variant is not present in population databases (gnomAD no frequency). This variant has not been reported in the literature in individuals affected with EDA-related conditions. ClinVar contains an entry for this variant (Variation ID: 44187). For these reasons, this variant has been classified as Pathogenic.

Laboratory for Molecular Medicine, Mass General Brigham Personalized Medicine
Classification: Pathogenic for Hypohidrotic X-linked ectodermal dysplasia. Last evaluated: 2011-09-17. Review status: criteria provided, single submitter. Criteria: LMM Criteria. Collection method: clinical testing. Allele origin: germline. Inheritance: X-linked inheritance. Observed: 3 variant alleles.
Comment: The Ser91fs variant in EDA has not been reported in the literature nor previousl y identified by our laboratory. This frameshift variant is predicted to alter t he protein?s amino acid sequence beginning at position 91 and lead to a prematur e termination codon 9 amino acids downstream. This alteration is then predicted to lead to a truncated or absent protein. Heterozygous loss of function of the E DA gene is an established disease mechanism in XLHED. In summary, this variant m eets our criteria to be classified as pathogenic .

Literature cited by the submitters: PubMed 9683615 (cited by Labcorp Genetics (formerly Invitae), Labcorp).